The following continues an entry in ClinVar:

NM_032043.3(BRIP1):c.2990_2993del (p.Thr997fs)

Gene: BRIP1. ClinVar aggregate classification (germline): Conflicting classifications of pathogenicity. Pathogenic (11); Likely pathogenic (10); Uncertain significance (8).

Submissions 21 to 34 of 34:

Mayo Clinic Laboratories, Mayo Clinic
Classification: Likely pathogenic. Last evaluated: 2023-01-24. Review status: criteria provided, single submitter. Criteria: ACMG Guidelines, 2015. Collection method: clinical testing. Allele origin: germline. Observed: 1 variant allele.
Comment: PS4_moderate, PVS1

Women's Health and Genetics/Laboratory Corporation of America, LabCorp
Classification: Pathogenic for Hereditary breast ovarian cancer syndrome. Last evaluated: 2022-10-24. Review status: criteria provided, single submitter. Criteria: LabCorp Variant Classification Summary - May 2015. Collection method: clinical testing. Allele origin: germline.
Comment: Variant summary: BRIP1 c.2990_2993delCAAA (p.Thr997ArgfsX61) results in a premature termination codon, predicted to cause a truncation of the encoded protein or absence of the protein due to nonsense mediated decay, which are commonly known mechanisms for disease. The variant allele was found at a frequency of 3.9e-05 in 254976 control chromosomes. This frequency is not significantly higher than expected for a pathogenic variant in BRIP1 causing Hereditary Breast And Ovarian Cancer Syndrome (3.9e-05 vs 6.3e-05), allowing no conclusion about variant significance. c.2990_2993delCAAA has been reported in the literature in individuals affected with Breast and Ovarian, Pancreatic and Prostate Cancer (Thompson 2016, Ramus 2015, Easton 2016, Lerner-Ellis_2021, Nguyen-Dumont_2021). These data indicate that the variant is very likely to be associated with disease. 14 clinical diagnostic laboratories have submitted clinical-significance assessments for this variant to ClinVar after 2014 without evidence for independent evaluation. All laboratories classified the variant as pathogenic/likely pathogenic. Based on the evidence outlined above, the variant was classified as pathogenic.

MGZ Medical Genetics Center
Classification: Likely pathogenic for Familial cancer of breast. Last evaluated: 2022-08-01. Review status: criteria provided, single submitter. Criteria: ACMG Guidelines, 2015. Collection method: clinical testing. Allele origin: germline. Affected: yes. Observed: 1 variant allele.
Comment: ACMG criteria applied: PVS1_STR, PM2_SUP, PP1

Sema4
Classification: Likely pathogenic for Hereditary cancer-predisposing syndrome. Last evaluated: 2021-02-10. Review status: criteria provided, single submitter. Criteria: Sema4 Curation Guidelines. Collection method: curation. Allele origin: germline.
Comment: The BRIP1 c.2990_2993delCAAA (p.T997RfsX61) variant has been reported in individuals with colorectal cancer, breast cancer and in an individual with family history of ovarian cancer (PMID: 28135145, 26786923, 26315354, 26921362). As this variant is not predicted to cause nonsense-mediated decay, the protein product is expected to be truncated. This variant was observed in 7/113600 chromosomes in the Non-Finnish European population, with no homozygotes, according to the Genome Aggregation Database (PMID: 32461654). Based on the current evidence available, this variant is interpreted as likely pathogenic.

Greenwood Genetic Center Diagnostic Laboratories, Greenwood Genetic Center
Classification: Pathogenic. Last evaluated: 2021-01-26. Review status: criteria provided, single submitter. Criteria: ACMG Guidelines, 2015. Collection method: clinical testing. Allele origin: germline.
Comment: PVS1, PS4_Moderate, PM2

Genetics and Molecular Pathology, SA Pathology
Classification: Likely pathogenic for Familial cancer of breast. Last evaluated: 2020-11-24. Review status: criteria provided, single submitter. Criteria: ACMG Guidelines, 2015. Collection method: clinical testing. Allele origin: germline. Affected: yes.

Department of Pathology and Laboratory Medicine, Sinai Health System
Classification: Pathogenic for Hereditary breast ovarian cancer syndrome. Last evaluated: 2019-10-08. Review status: criteria provided, single submitter. Criteria: ACMG Guidelines, 2015. Collection method: clinical testing. Allele origin: germline. Affected: yes.

Knight Diagnostic Laboratories, Oregon Health and Sciences University
Classification: Pathogenic for Hereditary cancer-predisposing syndrome. Last evaluated: 2019-06-07. Review status: criteria provided, single submitter. Criteria: ACMG Guidelines, 2015. Collection method: clinical testing. Allele origin: germline. Observed: 1 variant allele.

Mendelics
Classification: Pathogenic for Fanconi anemia, complementation group J. Last evaluated: 2018-07-02. Review status: criteria provided, single submitter. Criteria: Mendelics Assertion Criteria 2017. Collection method: clinical testing. Allele origin: unknown.

BRCAlab, Lund University
Classification: Pathogenic for Ovarian cancer. Last evaluated: 2022-08-26. Review status: no assertion criteria provided. Collection method: clinical testing. Allele origin: germline. Affected: yes. Not counted in ClinVar's aggregate classification.

Counsyl
Classification: Likely pathogenic for Fanconi anemia complementation group J. Last evaluated: 2016-09-20. Review status: no assertion criteria provided. Collection method: clinical testing. Allele origin: unknown. Not counted in ClinVar's aggregate classification.

Counsyl
Classification: Likely pathogenic for Ovarian cancer. Last evaluated: 2016-09-20. Review status: no assertion criteria provided. Collection method: clinical testing. Allele origin: unknown. Not counted in ClinVar's aggregate classification.

Joint Genome Diagnostic Labs from Nijmegen and Maastricht, Radboudumc and MUMC+
Classification: Pathogenic. Review status: no assertion criteria provided. Collection method: clinical testing. Allele origin: germline. Affected: yes. Study: VKGL Data-share Consensus. Not counted in ClinVar's aggregate classification.

Laboratory of Diagnostic Genome Analysis, Leiden University Medical Center (LUMC)
Classification: Pathogenic. Review status: no assertion criteria provided. Collection method: clinical testing. Allele origin: germline. Affected: yes. Study: VKGL Data-share Consensus. Not counted in ClinVar's aggregate classification.

Literature cited by the submitters: PubMed 18628483 (cited by 4 submitters); PubMed 22792074 (cited by 3 submitters); PubMed 38003901 (cited by 3 submitters); PubMed 36551643 (cited by 4 submitters); PubMed 37563628 (cited by Praxis Für Humangenetik, Biosciencia MVZ Labor Saar and Quest Diagnostics Nichols Institute San Juan Capistrano); PubMed 33619228 (cited by 3 submitters); PubMed 28888541 (cited by Labcorp Genetics (formerly Invitae), Labcorp and Mayo Clinic Laboratories, Mayo Clinic); PubMed 29478780 (cited by 5 submitters); PubMed 29922827 (cited by 5 submitters); PubMed 31214711 (cited by 5 submitters); PubMed 32885271 (cited by 5 submitters); PubMed 35534704 (cited by Labcorp Genetics (formerly Invitae), Labcorp); PubMed 35980532 (cited by Labcorp Genetics (formerly Invitae), Labcorp and Quest Diagnostics Nichols Institute San Juan Capistrano); PubMed 26786923 (cited by 5 submitters); PubMed 33804961 (cited by Labcorp Genetics (formerly Invitae), Labcorp and Women's Health and Genetics/Laboratory Corporation of America, LabCorp); PubMed 20159562 (cited by Quest Diagnostics Nichols Institute San Juan Capistrano and Color Diagnostics, LLC DBA Color Health); PubMed 21127055 (cited by Quest Diagnostics Nichols Institute San Juan Capistrano); PubMed 39096151 (cited by Quest Diagnostics Nichols Institute San Juan Capistrano); PubMed 34697415 (cited by Quest Diagnostics Nichols Institute San Juan Capistrano); PubMed 35753512 (cited by Quest Diagnostics Nichols Institute San Juan Capistrano); PubMed 35273153 (cited by Quest Diagnostics Nichols Institute San Juan Capistrano); PubMed 26315354 (cited by 7 submitters); PubMed 26921362 (cited by 7 submitters); PubMed 29368626 (cited by Quest Diagnostics Nichols Institute San Juan Capistrano and Ambry Genetics); PubMed 28135145 (cited by 6 submitters); PubMed 30254378 (cited by 3 submitters); PubMed 30675318 (cited by 4 submitters); PubMed 32963463 (cited by Quest Diagnostics Nichols Institute San Juan Capistrano and Ambry Genetics); PubMed 11301010 (cited by Color Diagnostics, LLC DBA Color Health); PubMed 14983014 (cited by Color Diagnostics, LLC DBA Color Health); PubMed 20173781 (cited by Color Diagnostics, LLC DBA Color Health); PubMed 32676327 (cited by Ambry Genetics).